The following is an entry in ClinVar:

ClinVar aggregate classification (germline): Uncertain significance (1 of 4 stars; one submission).

Allele frequency attached by ClinVar (database versions not stated): gnomAD 0.00001; TOPMed 0.00001.
gnomAD v4.1: 12 of 1,610,182 alleles (0.00075%); highest among the groups gnomAD compares: East Asian, 0.0022%; no homozygotes.

Submission:

Labcorp Genetics (formerly Invitae), Labcorp
Classification: Uncertain significance. Last evaluated: 2022-10-13. Review status: criteria provided, single submitter. Criteria: Invitae Variant Classification Sherloc (09022015). Collection method: clinical testing. Allele origin: germline.
Comment: This variant is not present in population databases (gnomAD no frequency). In summary, the available evidence is currently insufficient to determine the role of this variant in disease. Therefore, it has been classified as a Variant of Uncertain Significance. Advanced modeling of protein sequence and biophysical properties (such as structural, functional, and spatial information, amino acid conservation, physicochemical variation, residue mobility, and thermodynamic stability) performed at Invitae indicates that this missense variant is expected to disrupt POC1B protein function. ClinVar contains an entry for this variant (Variation ID: 1026920). This variant has not been reported in the literature in individuals affected with POC1B-related conditions. This sequence change replaces aspartic acid, which is acidic and polar, with glycine, which is neutral and non-polar, at codon 123 of the POC1B protein (p.Asp123Gly).

NM_172240.3(POC1B):c.368A>G (p.Asp123Gly)

Genes: POC1B (POC1 centriolar protein B; minus strand), POC1B-DUSP6 (POC1B-DUSP6 readthrough; minus strand). Cytogenetic location: 12q21.33.
Variant type: single nucleotide variant.
Coding change: c.368A>G on transcript NM_172240.3 (MANE Select); coding-DNA position 368, A replaced by G.
Protein change: p.Asp123Gly; replaces aspartic acid 123 with glycine.
Molecular consequence: missense variant. On other transcripts: non-coding transcript variant (2).
Genome position (GRCh38, 1-based): chr12:89,492,020, T>C on the plus strand (A>G on the coding strand, the complement: POC1B is on the minus strand). VCF-style: chr12-89492020-T-C. GRCh37 (hg19) VCF-style: chr12-89885797-T-C.
Other names: c.242A>G, p.Asp81Gly (NM_001199777.2); short protein forms D123G, D81G.
Identifiers: ClinVar variation 1026920 (VCV001026920.6), dbSNP rs767897459, ClinGen allele CA241172431.